The following is an entry in ClinVar:

ClinVar aggregate classification (germline): Likely benign. Review status: criteria provided, multiple submitters, no conflicts (2 of 4 stars). 4 submissions from 4 submitters: Likely benign (4). Last evaluated 2025-08-01.

Conditions:
Monogenic diabetes. Identifiers: Orphanet 183625, MedGen C3888631, MONDO:0015967.
Wolcott-Rallison dysplasia. Also called: MED-IDDM SYNDROME; Wolcott-Rallison syndrome. Identifiers: Orphanet 1667, MedGen C0432217, MONDO:0009192, OMIM 226980.

Allele frequency attached by ClinVar (database versions not stated): gnomAD 0.00006 and 0.00011; TOPMed 0.00013; 1000 Genomes Project 0.00060.
gnomAD v4.1: 170 of 1,602,104 alleles (0.011%); highest among the groups gnomAD compares: East Asian, 0.31%; no homozygotes.

Submissions (4):

Labcorp Genetics (formerly Invitae), Labcorp
Classification: Likely benign. Last evaluated: 2025-08-01. Review status: criteria provided, single submitter. Criteria: Invitae Variant Classification Sherloc (09022015). Collection method: clinical testing. Allele origin: germline.

Fulgent Genetics
Classification: Likely benign for Wolcott-Rallison dysplasia. Last evaluated: 2021-10-17. Review status: criteria provided, single submitter. Criteria: ACMG Guidelines, 2015. Collection method: clinical testing. Allele origin: unknown.

Personalized Diabetes Medicine Program, University of Maryland School of Medicine
Classification: Likely benign for Monogenic diabetes. Last evaluated: 2019-02-15. Review status: criteria provided, single submitter. Criteria: ACMG Guidelines, 2015. Collection method: research. Allele origin: unknown. Observed: 1 variant allele, 1 heterozygote.
Comment: ACMG criteria: BP4 (0.103 + 8 predictors) + BS1 (0.36% MAF in gnomAD EA pop) = likey benign

Illumina Laboratory Services, Illumina
Classification: Likely benign for Wolcott-Rallison dysplasia. Last evaluated: 2018-01-12. Review status: criteria provided, single submitter. Criteria: ICSL Variant Classification Criteria 13 December 2019. Collection method: clinical testing. Allele origin: germline.
Comment: This variant was observed in the ICSL laboratory as part of a predisposition screen in an ostensibly healthy population. It had not been previously curated by ICSL or reported in the Human Gene Mutation Database (HGMD: prior to June 1st, 2018), and was therefore a candidate for classification through an automated scoring system. Utilizing variant allele frequency, disease prevalence and penetrance estimates, and inheritance mode, an automated score was calculated to assess if this variant is too frequent to cause the disease. Based on the score and internal cut-off values, a variant classified as likely benign is not then subjected to further curation. The score for this variant resulted in a classification of likely benign for this disease.

NM_004836.7(EIF2AK3):c.236C>T (p.Pro79Leu)

Gene: EIF2AK3 (eukaryotic translation initiation factor 2 alpha kinase 3; minus strand). Cytogenetic location: 2p11.2.
Variant type: single nucleotide variant.
Coding change: c.236C>T on transcript NM_004836.7 (MANE Select); coding-DNA position 236, C replaced by T.
Protein change: p.Pro79Leu; replaces proline 79 with leucine.
Molecular consequence: missense variant.
Genome position (GRCh38, 1-based): chr2:88,627,039, G>A on the plus strand (C>T on the coding strand, the complement: EIF2AK3 is on the minus strand). VCF-style: chr2-88627039-G-A. GRCh37 (hg19) VCF-style: chr2-88926557-G-A.
Other names: short protein forms P79L.
Identifiers: ClinVar variation 895664 (VCV000895664.15), dbSNP rs539891019, ClinGen allele CA1754990.